The following is an entry in ClinVar:

ClinVar aggregate classification (germline): Likely benign. Review status: criteria provided, multiple submitters, no conflicts (2 of 4 stars). 3 submissions from 3 submitters: Likely benign (3). Last evaluated 2025-01-08.

Conditions:
Inborn genetic diseases. Identifiers: MedGen C0950123, MeSH D030342.

Allele frequency attached by ClinVar (database versions not stated): gnomAD exomes 0.00004 and 0.00008; ExAC 0.00007; gnomAD 0.00015; 1000 Genomes Project 30x 0.00016; 1000 Genomes Project 0.00020.
gnomAD v4.1: 82 of 1,614,190 alleles (0.0051%); highest among the groups gnomAD compares: Non-Finnish European, 0.0014%; no homozygotes.

Submissions (3):

Ambry Genetics
Classification: Likely benign for Inborn genetic diseases. Last evaluated: 2025-01-08. Review status: criteria provided, single submitter. Criteria: Ambry Variant Classification Scheme 2023. Collection method: clinical testing. Allele origin: germline.

CeGaT Center for Human Genetics Tuebingen
Classification: Likely benign. Last evaluated: 2022-09-01. Review status: criteria provided, single submitter. Criteria: CeGaT Center For Human Genetics Tuebingen Variant Classification Criteria Version 2. Collection method: clinical testing. Allele origin: germline. Affected: yes. Observed: 1 variant allele.
Comment: ASXL1: BP4, BS1

Labcorp Genetics (formerly Invitae), Labcorp
Classification: Likely benign. Last evaluated: 2021-12-02. Review status: criteria provided, single submitter. Criteria: Invitae Variant Classification Sherloc (09022015). Collection method: clinical testing. Allele origin: germline.

NM_015338.6(ASXL1):c.4115C>G (p.Thr1372Ser)

Gene: ASXL1 (ASXL transcriptional regulator 1; plus strand). Cytogenetic location: 20q11.21.
Variant type: single nucleotide variant.
Coding change: c.4115C>G on transcript NM_015338.6 (MANE Select); coding-DNA position 4115, C replaced by G.
Protein change: p.Thr1372Ser; replaces threonine 1372 with serine.
Molecular consequence: missense variant.
Genome position (GRCh38, 1-based): chr20:32,436,827, C>G. VCF-style: chr20-32436827-C-G. GRCh37 (hg19) VCF-style: chr20-31024630-C-G.
Other names: c.3932C>G, p.Thr1311Ser (NM_001363734.1); c.4115C>G (NM_015338.5); short protein forms T1311S, T1372S.
Identifiers: ClinVar variation 1537526 (VCV001537526.33), dbSNP rs201989261, ClinGen allele CA9808967.
Genomic context (GRCh38, chr20:32,436,827, plus strand): 5'-CAAGGGAAGACTGGGCTCCAAAGCCACATGCCTTTGTTGGCAGCGTCAAGAATGAGAAGA[C>G]TTTTGTGGGGGGTCCTCTTAAGGCAAATGCCGAGAACAGGAAAGCTACTGGGCATAGTCC-3'
Protein context (NP_056153.2, residues 1362-1382): AFVGSVKNEK[Thr1372Ser]FVGGPLKANA